The following is an entry in ClinVar:

ClinVar aggregate classification (germline): Uncertain significance (1 of 4 stars; one submission).

gnomAD v4.1: 8 of 1,614,064 alleles (0.0005%); highest among the groups gnomAD compares: East Asian, 0.0067%; no homozygotes.

Submission:

Labcorp Genetics (formerly Invitae), Labcorp
Classification: Uncertain significance. Last evaluated: 2025-02-26. Review status: criteria provided, single submitter. Criteria: Invitae Variant Classification Sherloc (09022015). Collection method: clinical testing. Allele origin: germline.
Comment: This sequence change replaces isoleucine, which is neutral and non-polar, with valine, which is neutral and non-polar, at codon 51 of the SRCAP protein (p.Ile51Val). This variant is present in population databases (rs767103262, gnomAD 0.02%). This variant has not been reported in the literature in individuals affected with SRCAP-related conditions. Invitae Evidence Modeling of protein sequence and biophysical properties (such as structural, functional, and spatial information, amino acid conservation, physicochemical variation, residue mobility, and thermodynamic stability) indicates that this missense variant is not expected to disrupt SRCAP protein function with a negative predictive value of 80%. In summary, the available evidence is currently insufficient to determine the role of this variant in disease. Therefore, it has been classified as a Variant of Uncertain Significance.

NM_006662.3(SRCAP):c.151A>G (p.Ile51Val)

Gene: SRCAP (Snf2 related CREBBP activator protein; plus strand). Cytogenetic location: 16p11.2.
Variant type: single nucleotide variant.
Coding change: c.151A>G on transcript NM_006662.3 (MANE Select); coding-DNA position 151, A replaced by G.
Protein change: p.Ile51Val; replaces isoleucine 51 with valine.
Molecular consequence: missense variant.
Genome position (GRCh38, 1-based): chr16:30,704,160, A>G. VCF-style: chr16-30704160-A-G. GRCh37 (hg19) VCF-style: chr16-30715481-A-G.
Other names: short protein forms I51V.
Identifiers: ClinVar variation 3707662 (VCV003707662.2).